The following is an entry in ClinVar:

NM_013451.4(MYOF):c.469T>C (p.Leu157=)

Gene: MYOF (myoferlin; minus strand). Cytogenetic location: 10q23.33.
Variant type: single nucleotide variant.
Coding change: c.469T>C on transcript NM_013451.4 (MANE Select); coding-DNA position 469, T replaced by C.
Protein change: p.Leu157=; no amino-acid change (leucine 157 retained).
Molecular consequence: synonymous variant.
Genome position (GRCh38, 1-based): chr10:93,409,704, A>G on the plus strand (T>C on the coding strand, the complement: MYOF is on the minus strand). VCF-style: chr10-93409704-A-G. GRCh37 (hg19) VCF-style: chr10-95169461-A-G.
Other names: c.469T>C, p.Leu157= (NM_133337.3).
Identifiers: ClinVar variation 3042952 (VCV003042952.3), dbSNP rs200337145, ClinGen allele CA5608603.

ClinVar aggregate classification (germline): Likely benign. Review status: criteria provided, single submitter (1 of 4 stars). 2 submissions from 2 submitters: Likely benign (1). 1 of the submissions does not count toward it. Last evaluated 2026-08-01.

Conditions:
MYOF-related disorder. Also called: MYOF-related condition.

Allele frequency attached by ClinVar (database versions not stated): gnomAD exomes 0.00005; ExAC 0.00017; ESP Exome Variant Server 0.00041; gnomAD 0.00069; 1000 Genomes Project 30x 0.00078; 1000 Genomes Project 0.00080; TOPMed 0.00084.
gnomAD v4.1: 198 of 1,614,192 alleles (0.012%); highest among the groups gnomAD compares: African/African-American, 0.19%; no homozygotes.

Submissions (2):

CeGaT Center for Human Genetics Tuebingen
Classification: Likely benign. Last evaluated: 2026-08-01. Review status: criteria provided, single submitter. Criteria: CeGaT Center For Human Genetics Tuebingen Variant Classification Criteria Version 2. Collection method: clinical testing. Allele origin: germline. Affected: yes. Observed: 1 variant allele.
Comment: MYOF: BP4, BP7

PreventionGenetics, part of Exact Sciences
Classification: Likely benign for MYOF-related condition. Last evaluated: 2019-07-01. Review status: no assertion criteria provided. Collection method: clinical testing. Allele origin: germline. Not counted in ClinVar's aggregate classification.
Comment: This variant is classified as likely benign based on ACMG/AMP sequence variant interpretation guidelines (Richards et al. 2015 PMID: 25741868, with internal and published modifications).